The following is an entry in ClinVar:

NM_013275.6(ANKRD11):c.6489A>G (p.Pro2163=)

Gene: ANKRD11 (ankyrin repeat domain 11; minus strand). Cytogenetic location: 16q24.3.
Variant type: single nucleotide variant.
Coding change: c.6489A>G on transcript NM_013275.6 (MANE Select); coding-DNA position 6489, A replaced by G.
Protein change: p.Pro2163=; no amino-acid change (proline 2163 retained).
Molecular consequence: synonymous variant.
Genome position (GRCh38, 1-based): chr16:89,280,053, T>C on the plus strand (A>G on the coding strand, the complement: ANKRD11 is on the minus strand). VCF-style: chr16-89280053-T-C. GRCh37 (hg19) VCF-style: chr16-89346461-T-C.
Other names: c.6489A>G (NM_013275.5); c.6489A>G, p.Pro2163= (NM_001256182.2, NM_001256183.2).
Identifiers: ClinVar variation 1753798 (VCV001753798.19), dbSNP rs201020132, ClinGen allele CA8241428.

ClinVar aggregate classification (germline): Benign/Likely benign. Review status: criteria provided, multiple submitters, no conflicts (2 of 4 stars). 5 submissions from 5 submitters: Benign (3); Likely benign (1). 1 of the submissions does not count toward it. Last evaluated 2026-05-12.

Conditions:
ANKRD11-related disorder. Also called: ANKRD11-related condition.
Inborn genetic diseases. Identifiers: MedGen C0950123, MeSH D030342.
KBG syndrome (KBGS). Also called: ANKRD11-Related KBG Syndrome. Identifiers: Orphanet 2332, MedGen C0220687, MONDO:0007846, OMIM 148050.

Allele frequency attached by ClinVar (database versions not stated): ESP Exome Variant Server 0.00008; gnomAD exomes 0.00008; gnomAD 0.00009; TOPMed 0.00011; ExAC 0.00014.
gnomAD v4.1: 145 of 1,612,852 alleles (0.009%); highest among the groups gnomAD compares: Non-Finnish European, 0.0012%; 1 homozygote.

Submissions (5):

Women's Health and Genetics/Laboratory Corporation of America, LabCorp
Classification: Benign. Last evaluated: 2026-05-12. Review status: criteria provided, single submitter. Criteria: LabCorp Variant Classification Summary - May 2015. Collection method: clinical testing. Allele origin: germline.

Labcorp Genetics (formerly Invitae), Labcorp
Classification: Benign for KBG syndrome. Last evaluated: 2025-10-23. Review status: criteria provided, single submitter. Criteria: Invitae Variant Classification Sherloc (09022015). Collection method: clinical testing. Allele origin: germline.

CeGaT Center for Human Genetics Tuebingen
Classification: Likely benign. Last evaluated: 2025-02-01. Review status: criteria provided, single submitter. Criteria: CeGaT Center For Human Genetics Tuebingen Variant Classification Criteria Version 2. Collection method: clinical testing. Allele origin: germline. Affected: yes. Observed: 2 variant alleles.
Comment: ANKRD11: BP4, BP7

Ambry Genetics
Classification: Benign for Inborn genetic diseases. Last evaluated: 2018-11-28. Review status: criteria provided, single submitter. Criteria: Ambry Variant Classification Scheme 2023. Collection method: clinical testing. Allele origin: germline.

PreventionGenetics, part of Exact Sciences
Classification: Benign for ANKRD11-related condition. Last evaluated: 2019-08-16. Review status: no assertion criteria provided. Collection method: clinical testing. Allele origin: germline. Not counted in ClinVar's aggregate classification.
Comment: This variant is classified as benign based on ACMG/AMP sequence variant interpretation guidelines (Richards et al. 2015 PMID: 25741868, with internal and published modifications).